The following is an entry in ClinVar:

ClinVar aggregate classification (germline): Uncertain significance. Review status: criteria provided, multiple submitters, no conflicts (2 of 4 stars). 2 submissions from 2 submitters: Uncertain significance (2). Last evaluated 2023-01-14.

Conditions:
Cardiovascular phenotype. Identifiers: MedGen CN230736.

Allele frequency attached by ClinVar (database versions not stated): gnomAD exomes below 0.00001.
gnomAD v4.1: 2 of 1,608,960 alleles (0.00012%); highest among the groups gnomAD compares: South Asian, 0.0022%; no homozygotes.

Submissions (2):

Ambry Genetics
Classification: Uncertain significance for Cardiovascular phenotype. Last evaluated: 2023-01-14. Review status: criteria provided, single submitter. Criteria: Ambry Variant Classification Scheme 2023. Collection method: clinical testing. Allele origin: germline.
Comment: The p.H1115Y variant (also known as c.3343C>T), located in coding exon 6 of the ALPK3 gene, results from a C to T substitution at nucleotide position 3343. The histidine at codon 1115 is replaced by tyrosine, an amino acid with similar properties. This amino acid position is conserved. In addition, this alteration is predicted to be tolerated by in silico analysis. Since supporting evidence is limited at this time, the clinical significance of this alteration remains unclear.

Labcorp Genetics (formerly Invitae), Labcorp
Classification: Uncertain significance. Last evaluated: 2021-06-16. Review status: criteria provided, single submitter. Criteria: Invitae Variant Classification Sherloc (09022015). Collection method: clinical testing. Allele origin: germline.
Comment: This sequence change replaces histidine with tyrosine at codon 1115 of the ALPK3 protein (p.His1115Tyr). The histidine residue is weakly conserved and there is a moderate physicochemical difference between histidine and tyrosine. This variant is not present in population databases (ExAC no frequency). In summary, the available evidence is currently insufficient to determine the role of this variant in disease. Therefore, it has been classified as a Variant of Uncertain Significance. Algorithms developed to predict the effect of sequence changes on RNA splicing suggest that this variant may create or strengthen a splice site, but this prediction has not been confirmed by published transcriptional studies. Algorithms developed to predict the effect of missense changes on protein structure and function (SIFT, PolyPhen-2, Align-GVGD) all suggest that this variant is likely to be tolerated, but these predictions have not been confirmed by published functional studies and their clinical significance is uncertain. This variant has not been reported in the literature in individuals with ALPK3-related conditions.

NM_020778.5(ALPK3):c.2737C>T (p.His913Tyr)

Gene: ALPK3 (alpha kinase 3; plus strand). Cytogenetic location: 15q25.3.
Variant type: single nucleotide variant.
Coding change: c.2737C>T on transcript NM_020778.5 (MANE Select); coding-DNA position 2737, C replaced by T.
Protein change: p.His913Tyr; replaces histidine 913 with tyrosine.
Molecular consequence: missense variant.
Genome position (GRCh38, 1-based): chr15:84,857,475, C>T. VCF-style: chr15-84857475-C-T. GRCh37 (hg19) VCF-style: chr15-85400706-C-T.
Other names: c.3343C>T (NM_020778.4); short protein forms H913Y.
Identifiers: ClinVar variation 1474090 (VCV001474090.9), dbSNP rs2141568220, ClinGen allele CA393358200.